The following is an entry in ClinVar:

ClinVar aggregate classification (germline): Likely benign (1 of 4 stars; one submission).

Allele frequency attached by ClinVar (database versions not stated): TOPMed 0.00003; gnomAD 0.00004; ExAC 0.00007; gnomAD exomes 0.00010.
gnomAD v4.1: 143 of 1,529,338 alleles (0.0094%); highest among the groups gnomAD compares: Middle Eastern, 0.067%; no homozygotes.

Submission:

CeGaT Center for Human Genetics Tuebingen
Classification: Likely benign. Last evaluated: 2023-01-01. Review status: criteria provided, single submitter. Criteria: CeGaT Center For Human Genetics Tuebingen Variant Classification Criteria Version 2. Collection method: clinical testing. Allele origin: germline. Affected: yes. Observed: 1 variant allele.
Comment: TTC6: BP4, BP7

NM_001310135.5(TTC6):c.4422T>C (p.Tyr1474=)

Gene: TTC6 (tetratricopeptide repeat domain 6; plus strand). Cytogenetic location: 14q21.1.
Variant type: single nucleotide variant.
Coding change: c.4422T>C on transcript NM_001310135.5 (MANE Select); coding-DNA position 4422, T replaced by C.
Protein change: p.Tyr1474=; no amino-acid change (tyrosine 1474 retained).
Molecular consequence: synonymous variant. On other transcripts: intron variant (1).
Genome position (GRCh38, 1-based): chr14:37,807,427, T>C. VCF-style: chr14-37807427-T-C. GRCh37 (hg19) VCF-style: chr14-38276632-T-C.
Other names: c.358-1306T>C (NM_001368142.2).
Identifiers: ClinVar variation 2644186 (VCV002644186.24), dbSNP rs773046991, ClinGen allele CA7160678.
Genomic context (GRCh38, chr14:37,807,427, plus strand): 5'-CAAAGCAATCTTGAATTGTAACAAGGCTATTAAAATTTACCCTGAAAGCGTACGTGCCTA[T>C]CTCTACAGAGGAGTTCTGAAATACTACAACAAGGTAGGGCCATTTCCTGCCTGGTTTACC-3'
Protein context (NP_001297064.2, residues 1464-1484): IKIYPESVRA[Tyr1474=]LYRGVLKYYN